The following is an entry in ClinVar:

ClinVar aggregate classification (germline): Uncertain significance (1 of 4 stars; one submission).

Conditions:
Cardiovascular phenotype. Identifiers: MedGen CN230736.

gnomAD v4.1: 11 of 1,613,056 alleles (0.00068%); highest among the groups gnomAD compares: Non-Finnish European, 0.00093%; no homozygotes.

Submission:

Ambry Genetics
Classification: Uncertain significance for Cardiovascular phenotype. Last evaluated: 2024-04-21. Review status: criteria provided, single submitter. Criteria: Ambry Variant Classification Scheme 2023. Collection method: clinical testing. Allele origin: germline.
Comment: The p.S1892F variant (also known as c.5675C>T), located in coding exon 23 of the AKAP9 gene, results from a C to T substitution at nucleotide position 5675. The serine at codon 1892 is replaced by phenylalanine, an amino acid with highly dissimilar properties. This amino acid position is conserved. In addition, this alteration is predicted to be tolerated by in silico analysis. Based on the available evidence, the clinical significance of this variant remains unclear.

NM_005751.5(AKAP9):c.5675C>T (p.Ser1892Phe)

Gene: AKAP9 (A-kinase anchoring protein 9; plus strand). Cytogenetic location: 7q21.2.
Variant type: single nucleotide variant.
Coding change: c.5675C>T on transcript NM_005751.5 (MANE Select); coding-DNA position 5675, C replaced by T.
Protein change: p.Ser1892Phe; replaces serine 1892 with phenylalanine.
Molecular consequence: missense variant.
Genome position (GRCh38, 1-based): chr7:92,061,333, C>T. VCF-style: chr7-92061333-C-T. GRCh37 (hg19) VCF-style: chr7-91690647-C-T.
Other names: c.320C>T, p.Ser107Phe (NM_001379277.1); c.5675C>T, p.Ser1892Phe (NM_147185.3); short protein forms S1892F, S107F.
Identifiers: ClinVar variation 3281908 (VCV003281908.1).